The following is an entry in ClinVar:

ClinVar aggregate classification (germline): Likely benign. Review status: criteria provided, multiple submitters, no conflicts (2 of 4 stars). 5 submissions from 5 submitters: Likely benign (4). 1 of the submissions does not count toward it. Last evaluated 2026-07-01.

Conditions:
Werner syndrome (WRN). Identifiers: Orphanet 902, MedGen C0043119, MONDO:0010196, OMIM 277700.
WRN-related disorder. Also called: WRN-related condition.

Allele frequency attached by ClinVar (database versions not stated): TOPMed 0.00005.
gnomAD v4.1: 24 of 1,612,530 alleles (0.0015%); highest among the groups gnomAD compares: Middle Eastern, 0.016%; no homozygotes.

Submissions (5):

CeGaT Center for Human Genetics Tuebingen
Classification: Likely benign. Last evaluated: 2026-07-01. Review status: criteria provided, single submitter. Criteria: CeGaT Center For Human Genetics Tuebingen Variant Classification Criteria Version 2. Collection method: clinical testing. Allele origin: germline. Affected: yes. Observed: 3 variant alleles.
Comment: WRN: BP4, BP7

Labcorp Genetics (formerly Invitae), Labcorp
Classification: Likely benign for Werner syndrome. Last evaluated: 2025-08-13. Review status: criteria provided, single submitter. Criteria: Invitae Variant Classification Sherloc (09022015). Collection method: clinical testing. Allele origin: germline.

Blueprint Genetics
Classification: Likely benign. Last evaluated: 2024-01-10. Review status: criteria provided, single submitter. Criteria: ACMG Guidelines, 2015. Collection method: clinical testing. Allele origin: germline.

Genetic Services Laboratory, University of Chicago
Classification: Likely benign. Last evaluated: 2021-10-11. Review status: criteria provided, single submitter. Criteria: ACMG Guidelines, 2015. Collection method: clinical testing. Allele origin: germline. Affected: no.

PreventionGenetics, part of Exact Sciences
Classification: Likely benign for WRN-related condition. Last evaluated: 2019-06-11. Review status: no assertion criteria provided. Collection method: clinical testing. Allele origin: germline. Not counted in ClinVar's aggregate classification.
Comment: This variant is classified as likely benign based on ACMG/AMP sequence variant interpretation guidelines (Richards et al. 2015 PMID: 25741868, with internal and published modifications).

NM_000553.6(WRN):c.1383G>A (p.Thr461=)

Gene: WRN (WRN RecQ like helicase; plus strand). Cytogenetic location: 8p12.
Variant type: single nucleotide variant.
Coding change: c.1383G>A on transcript NM_000553.6 (MANE Select); coding-DNA position 1383, G replaced by A.
Protein change: p.Thr461=; no amino-acid change (threonine 461 retained).
Molecular consequence: synonymous variant.
Genome position (GRCh38, 1-based): chr8:31,085,198, G>A. VCF-style: chr8-31085198-G-A. GRCh37 (hg19) VCF-style: chr8-30942714-G-A.
Identifiers: ClinVar variation 412719 (VCV000412719.24), dbSNP rs542602723, ClinGen allele CA4704345.